The following is an entry in ClinVar:

NM_003901.4(SGPL1):c.1458C>T (p.Cys486=)

Gene: SGPL1 (sphingosine-1-phosphate lyase 1; plus strand). Cytogenetic location: 10q22.1.
Variant type: single nucleotide variant.
Coding change: c.1458C>T on transcript NM_003901.4 (MANE Select); coding-DNA position 1458, C replaced by T.
Protein change: p.Cys486=; no amino-acid change (cysteine 486 retained).
Molecular consequence: synonymous variant.
Genome position (GRCh38, 1-based): chr10:70,876,553, C>T. VCF-style: chr10-70876553-C-T. GRCh37 (hg19) VCF-style: chr10-72636310-C-T.
Identifiers: ClinVar variation 3044188 (VCV003044188.2), dbSNP rs773359986, ClinGen allele CA5541485.
Genomic context (GRCh38, chr10:70,876,553, plus strand): 5'-ATTTTTTCTTTCTTCAAGGTTCATCTCTCTCTGTCTCTTCTTTCCTAGTATTCATTTCTG[C>T]ATCACATTACTACACGCCCGGAAACGAGTAGCTATACAATTCCTAAAGGACATTCGAGAA-3'
Protein context (NP_003892.2, residues 476-496): QLQFPPSIHF[Cys486=]ITLLHARKRV

ClinVar aggregate classification (germline): Likely benign (0 of 4 stars; one submission).

Conditions:
SGPL1-related disorder. Also called: SGPL1-related condition. Identifiers: MedGen CN380158.

Allele frequency attached by ClinVar (database versions not stated): gnomAD 0.00001; ExAC 0.00002; gnomAD exomes 0.00002.
gnomAD v4.1: 28 of 1,611,110 alleles (0.0017%); highest among the groups gnomAD compares: South Asian, 0.029%; no homozygotes.

Submission:

PreventionGenetics, part of Exact Sciences
Classification: Likely benign for SGPL1-related condition. Last evaluated: 2022-04-15. Review status: no assertion criteria provided. Collection method: clinical testing. Allele origin: germline.
Comment: This variant is classified as likely benign based on ACMG/AMP sequence variant interpretation guidelines (Richards et al. 2015 PMID: 25741868, with internal and published modifications).